The following is an entry in ClinVar:

ClinVar aggregate classification (germline): Uncertain significance (1 of 4 stars; one submission).

Conditions:
Developmental and epileptic encephalopathy, 14 (DEE14). Also called: Early infantile epileptic encephalopathy 14. Identifiers: Orphanet 293181, MedGen C3554195, MONDO:0013989, OMIM 614959.
Autosomal dominant nocturnal frontal lobe epilepsy 5. Also called: Epilepsy, nocturnal frontal lobe, 5; CILIARY DYSKINESIA, PRIMARY, 28, WITH SITUS INVERSUS; CILIARY DYSKINESIA, PRIMARY, 28, WITHOUT SITUS INVERSUS; KCNT1-Related Epilepsy. Identifiers: Orphanet 98784, MedGen C3554306, MONDO:0014002, OMIM 615005.

Submission:

Labcorp Genetics (formerly Invitae), Labcorp
Classification: Uncertain significance for Autosomal dominant nocturnal frontal lobe epilepsy 5; Developmental and epileptic encephalopathy, 14. Last evaluated: 2022-02-11. Review status: criteria provided, single submitter. Criteria: Invitae Variant Classification Sherloc (09022015). Collection method: clinical testing. Allele origin: germline.
Comment: This variant is not present in population databases (gnomAD no frequency). In summary, the available evidence is currently insufficient to determine the role of this variant in disease. Therefore, it has been classified as a Variant of Uncertain Significance. Advanced modeling of protein sequence and biophysical properties (such as structural, functional, and spatial information, amino acid conservation, physicochemical variation, residue mobility, and thermodynamic stability) performed at Invitae indicates that this missense variant is expected to disrupt KCNT1 protein function. This variant has not been reported in the literature in individuals affected with KCNT1-related conditions. This sequence change replaces serine, which is neutral and polar, with phenylalanine, which is neutral and non-polar, at codon 300 of the KCNT1 protein (p.Ser300Phe).

NM_020822.3(KCNT1):c.899C>T (p.Ser300Phe)

Gene: KCNT1 (potassium sodium-activated channel subfamily T member 1; plus strand). Cytogenetic location: 9q34.3.
Variant type: single nucleotide variant.
Coding change: c.899C>T on transcript NM_020822.3 (MANE Select); coding-DNA position 899, C replaced by T.
Protein change: p.Ser300Phe; replaces serine 300 with phenylalanine.
Molecular consequence: missense variant.
Genome position (GRCh38, 1-based): chr9:135,759,723, C>T. VCF-style: chr9-135759723-C-T. GRCh37 (hg19) VCF-style: chr9-138651569-C-T.
Other names: c.764C>T, p.Ser255Phe (NM_001272003.2); short protein forms S255F, S300F.
Identifiers: ClinVar variation 2079516 (VCV002079516.4), dbSNP rs2490860534, ClinGen allele CA375498447.